The following is an entry in ClinVar:

NM_015721.3(GEMIN4):c.1787C>T (p.Pro596Leu)

Gene: GEMIN4 (gem nuclear organelle associated protein 4; minus strand). Cytogenetic location: 17p13.3.
Variant type: single nucleotide variant.
Coding change: c.1787C>T on transcript NM_015721.3 (MANE Select); coding-DNA position 1787, C replaced by T.
Protein change: p.Pro596Leu; replaces proline 596 with leucine.
Molecular consequence: missense variant.
Genome position (GRCh38, 1-based): chr17:746,256, G>A on the plus strand (C>T on the coding strand, the complement: GEMIN4 is on the minus strand). VCF-style: chr17-746256-G-A. GRCh37 (hg19) VCF-style: chr17-649496-G-A.
Other names: short protein forms P596L.
Identifiers: ClinVar variation 1031937 (VCV001031937.1), dbSNP rs766254914, ClinGen allele CA8262549.

ClinVar aggregate classification (germline): Uncertain significance (1 of 4 stars; one submission).

Conditions:
Neurodevelopmental disorder with microcephaly, cataracts, and renal abnormalities. Identifiers: MedGen C4693567, MONDO:0060664, OMIM 617913.

Allele frequency attached by ClinVar (database versions not stated): gnomAD exomes below 0.00001 and 0.00002; ExAC 0.00001; gnomAD 0.00001.
gnomAD v4.1: 3 of 1,613,712 alleles (0.00019%); highest among the groups gnomAD compares: East Asian, 0.0067%; no homozygotes.

Submission:

Baylor Genetics
Classification: Uncertain significance for Neurodevelopmental disorder with microcephaly, cataracts, and renal abnormalities. Last evaluated: 2018-09-28. Review status: criteria provided, single submitter. Criteria: ACMG Guidelines, 2015. Collection method: clinical testing. Allele origin: maternal. Affected: yes.
Comment: This variant was determined to be of uncertain significance according to ACMG Guidelines, 2015 [PMID:25741868].